The following is an entry in ClinVar:

ClinVar aggregate classification (germline): Uncertain significance (1 of 4 stars; one submission).

Allele frequency attached by ClinVar (database versions not stated): ExAC 0.00001; gnomAD 0.00001; gnomAD exomes 0.00001; TOPMed 0.00002; ESP Exome Variant Server 0.00008; 1000 Genomes Project 30x 0.00016; 1000 Genomes Project 0.00020.
gnomAD v4.1: 10 of 1,613,940 alleles (0.00062%); highest among the groups gnomAD compares: African/African-American, 0.004%; no homozygotes.

Submission:

Labcorp Genetics (formerly Invitae), Labcorp
Classification: Uncertain significance. Last evaluated: 2021-12-23. Review status: criteria provided, single submitter. Criteria: Invitae Variant Classification Sherloc (09022015). Collection method: clinical testing. Allele origin: germline.
Comment: In summary, the available evidence is currently insufficient to determine the role of this variant in disease. Therefore, it has been classified as a Variant of Uncertain Significance. Algorithms developed to predict the effect of missense changes on protein structure and function are either unavailable or do not agree on the potential impact of this missense change (SIFT: "Tolerated"; PolyPhen-2: "Not Available"; Align-GVGD: "Class C0"). This variant has not been reported in the literature in individuals affected with PTPN23-related conditions. This variant is present in population databases (rs368601751, gnomAD 0.004%). This sequence change replaces valine, which is neutral and non-polar, with methionine, which is neutral and non-polar, at codon 640 of the PTPN23 protein (p.Val640Met).

NM_015466.4(PTPN23):c.1918G>A (p.Val640Met)

Gene: PTPN23 (protein tyrosine phosphatase non-receptor type 23; plus strand). Cytogenetic location: 3p21.31.
Variant type: single nucleotide variant.
Coding change: c.1918G>A on transcript NM_015466.4 (MANE Select); coding-DNA position 1918, G replaced by A.
Protein change: p.Val640Met; replaces valine 640 with methionine.
Molecular consequence: missense variant.
Genome position (GRCh38, 1-based): chr3:47,409,537, G>A. VCF-style: chr3-47409537-G-A. GRCh37 (hg19) VCF-style: chr3-47451027-G-A.
Other names: c.1540G>A, p.Val514Met (NM_001304482.2); short protein forms V640M, V514M.
Identifiers: ClinVar variation 1366077 (VCV001366077.4), dbSNP rs368601751, ClinGen allele CA2365857.